The following is an entry in ClinVar:

NM_025257.3(SLC44A4):c.1313C>T (p.Ser438Phe)

Gene: SLC44A4 (solute carrier family 44 member 4; minus strand). Cytogenetic location: 6p21.33.
Variant type: single nucleotide variant.
Coding change: c.1313C>T on transcript NM_025257.3 (MANE Select); coding-DNA position 1313, C replaced by T.
Protein change: p.Ser438Phe; replaces serine 438 with phenylalanine.
Molecular consequence: missense variant.
Genome position (GRCh38, 1-based): chr6:31,866,047, G>A on the plus strand (C>T on the coding strand, the complement: SLC44A4 is on the minus strand). VCF-style: chr6-31866047-G-A. GRCh37 (hg19) VCF-style: chr6-31833824-G-A.
Other names: c.1187C>T, p.Ser396Phe (NM_001178044.2); c.1085C>T, p.Ser362Phe (NM_001178045.2); short protein forms S438F, S396F, S362F.
Identifiers: ClinVar variation 3319851 (VCV003319851.2).

ClinVar aggregate classification (germline): Uncertain significance. Review status: criteria provided, multiple submitters, no conflicts (2 of 4 stars). 2 submissions from 2 submitters: Uncertain significance (2). Last evaluated 2025-12-22.

gnomAD v4.1: 6 of 1,614,242 alleles (0.00037%); highest among the groups gnomAD compares: South Asian, 0.0066%; no homozygotes.

Submissions (2):

Labcorp Genetics (formerly Invitae), Labcorp
Classification: Uncertain significance. Last evaluated: 2025-12-22. Review status: criteria provided, single submitter. Criteria: Invitae Variant Classification Sherloc (09022015). Collection method: clinical testing. Allele origin: germline.
Comment: This sequence change replaces serine, which is neutral and polar, with phenylalanine, which is neutral and non-polar, at codon 438 of the SLC44A4 protein (p.Ser438Phe). This variant is present in population databases (no rsID available, gnomAD 0.003%). This variant has not been reported in the literature in individuals affected with SLC44A4-related conditions. ClinVar contains an entry for this variant (Variation ID: 3319851). Invitae Evidence Modeling of protein sequence and biophysical properties (such as structural, functional, and spatial information, amino acid conservation, physicochemical variation, residue mobility, and thermodynamic stability) indicates that this missense variant is not expected to disrupt SLC44A4 protein function with a negative predictive value of 80%. In summary, the available evidence is currently insufficient to determine the role of this variant in disease. Therefore, it has been classified as a Variant of Uncertain Significance.

Ambry Genetics
Classification: Uncertain significance. Last evaluated: 2024-06-17. Review status: criteria provided, single submitter. Criteria: Ambry Variant Classification Scheme 2023. Collection method: clinical testing. Allele origin: germline.